The following is an entry in ClinVar:

ClinVar aggregate classification (germline): Uncertain significance (1 of 4 stars; one submission).

Submission:

Labcorp Genetics (formerly Invitae), Labcorp
Classification: Uncertain significance. Last evaluated: 2025-03-26. Review status: criteria provided, single submitter. Criteria: Invitae Variant Classification Sherloc (09022015). Collection method: clinical testing. Allele origin: germline.
Comment: This sequence change replaces arginine, which is basic and polar, with glycine, which is neutral and non-polar, at codon 247 of the POLE protein (p.Arg247Gly). This variant is not present in population databases (gnomAD no frequency). This variant has not been reported in the literature in individuals affected with POLE-related conditions. Invitae Evidence Modeling of protein sequence and biophysical properties (such as structural, functional, and spatial information, amino acid conservation, physicochemical variation, residue mobility, and thermodynamic stability) indicates that this missense variant is not expected to disrupt POLE protein function with a negative predictive value of 80%. In summary, the available evidence is currently insufficient to determine the role of this variant in disease. Therefore, it has been classified as a Variant of Uncertain Significance.

NM_006231.4(POLE):c.739A>G (p.Arg247Gly)

Gene: POLE (DNA polymerase epsilon, catalytic subunit; minus strand). Cytogenetic location: 12q24.33.
Variant type: single nucleotide variant.
Coding change: c.739A>G on transcript NM_006231.4 (MANE Select); coding-DNA position 739, A replaced by G.
Protein change: p.Arg247Gly; replaces arginine 247 with glycine.
Molecular consequence: missense variant.
Genome position (GRCh38, 1-based): chr12:132,677,425, T>C on the plus strand (A>G on the coding strand, the complement: POLE is on the minus strand). VCF-style: chr12-132677425-T-C. GRCh37 (hg19) VCF-style: chr12-133254011-T-C.
Other names: short protein forms R247G.
Identifiers: ClinVar variation 4807703 (VCV004807703.1).